The following is an entry in ClinVar:

ClinVar aggregate classification (germline): Uncertain significance (1 of 4 stars; one submission).

Submission:

CeGaT Center for Human Genetics Tuebingen
Classification: Uncertain significance. Last evaluated: 2026-07-01. Review status: criteria provided, single submitter. Criteria: CeGaT Center For Human Genetics Tuebingen Variant Classification Criteria Version 2. Collection method: clinical testing. Allele origin: germline. Affected: yes. Observed: 1 variant allele.
Comment: AP1G1: PM2, PP2

NM_001128.6(AP1G1):c.790A>C (p.Ser264Arg)

Gene: AP1G1 (adaptor related protein complex 1 subunit gamma 1; minus strand). Cytogenetic location: 16q22.2.
Variant type: single nucleotide variant.
Coding change: c.790A>C on transcript NM_001128.6 (MANE Select); coding-DNA position 790, A replaced by C.
Protein change: p.Ser264Arg; replaces serine 264 with arginine.
Molecular consequence: missense variant.
Genome position (GRCh38, 1-based): chr16:71,764,675, T>G on the plus strand (A>C on the coding strand, the complement: AP1G1 is on the minus strand). VCF-style: chr16-71764675-T-G. GRCh37 (hg19) VCF-style: chr16-71798578-T-G.
Other names: c.799A>C, p.Ser267Arg (NM_001030007.2); short protein forms S264R, S267R.
Identifiers: ClinVar variation 5040315 (VCV005040315.1).
Genomic context (GRCh38, chr16:71,764,675, plus strand): 5'-AATATATATTTAATATGTTTGGTCTACTCACCTGTGCTAATATATCATTCATAGCTTCAC[T>G]TGAATCATCATCATTTCGTCCTAAAATTCTTAATAACCGCAAAATTCGTACCTAACGTGC-3'
Protein context (NP_001119.3, residues 254-274): RILGRNDDDS[Ser264Arg]EAMNDILAQV